The following is an entry in ClinVar:

ClinVar aggregate classification (germline): Pathogenic (1 of 4 stars; one submission).

Conditions:
Trichorhinophalangeal dysplasia type I (TRPS1). Also called: TRICHORHINOPHALANGEAL SYNDROME, TYPE I; TRPS I. Identifiers: Orphanet 77258, MedGen C0432233, MONDO:0008596, OMIM 190350.
Trichorhinophalangeal syndrome, type III (TRPS3). Also called: SUGIO-KAJII SYNDROME. Identifiers: Orphanet 77258, MedGen C1860823, OMIM 190351, MONDO:0008597.

Allele frequency attached by ClinVar (database versions not stated): gnomAD exomes below 0.00001.

Submission:

Labcorp Genetics (formerly Invitae), Labcorp
Classification: Pathogenic for Trichorhinophalangeal syndrome, type III; Trichorhinophalangeal dysplasia type I. Last evaluated: 2024-01-18. Review status: criteria provided, single submitter. Criteria: Invitae Variant Classification Sherloc (09022015). Collection method: clinical testing. Allele origin: germline.
Comment: This sequence change creates a premature translational stop signal (p.Gln834*) in the TRPS1 gene. It is expected to result in an absent or disrupted protein product. Loss-of-function variants in TRPS1 are known to be pathogenic (PMID: 11112658). This variant is not present in population databases (gnomAD no frequency). This variant has not been reported in the literature in individuals affected with TRPS1-related conditions. For these reasons, this variant has been classified as Pathogenic.

Literature cited by the submitters: PubMed 11112658.

NM_014112.5(TRPS1):c.2500C>T (p.Gln834Ter)

Gene: TRPS1 (transcriptional repressor GATA binding 1; minus strand). Cytogenetic location: 8q23.3.
Variant type: single nucleotide variant.
Coding change: c.2500C>T on transcript NM_014112.5 (MANE Select); coding-DNA position 2500, C replaced by T.
Protein change: p.Gln834Ter; replaces glutamine 834 with a stop codon.
Molecular consequence: nonsense.
Genome position (GRCh38, 1-based): chr8:115,587,201, G>A on the plus strand (C>T on the coding strand, the complement: TRPS1 is on the minus strand). VCF-style: chr8-115587201-G-A. GRCh37 (hg19) VCF-style: chr8-116599428-G-A.
Other names: c.2473C>T, p.Gln825Ter (NM_001282902.3); c.2479C>T, p.Gln827Ter (NM_001282903.3); c.2461C>T, p.Gln821Ter (NM_001330599.2); short protein forms Q825*, Q821*, Q827*, Q834*.
Identifiers: ClinVar variation 2922275 (VCV002922275.3), dbSNP rs2536860942, ClinGen allele CA372064982.
Genomic context (GRCh38, chr8:115,587,201, plus strand): 5'-GTCGCGCCAGATGGGCGGCCTCCACATTGGGACTATCCCTTAGAGTCTTTGTCTGCTCTT[G>A]GGTGCCAGACACAGGCGTCAGCAGCCCCAGGCTTGCTTGGGTGTATGACGGACTCCCCCG-3'